The following is an entry in ClinVar:

NM_018975.4(TERF2IP):c.1013A>G (p.Lys338Arg)

Gene: TERF2IP (TERF2 interacting protein; plus strand). Cytogenetic location: 16q23.1.
Variant type: single nucleotide variant.
Coding change: c.1013A>G on transcript NM_018975.4 (MANE Select); coding-DNA position 1013, A replaced by G.
Protein change: p.Lys338Arg; replaces lysine 338 with arginine.
Molecular consequence: missense variant. On other transcripts: non-coding transcript variant (1).
Genome position (GRCh38, 1-based): chr16:75,656,424, A>G. VCF-style: chr16-75656424-A-G. GRCh37 (hg19) VCF-style: chr16-75690322-A-G.
Other names: short protein forms K338R.
Identifiers: ClinVar variation 2563471 (VCV002563471.2), dbSNP rs2507089611, ClinGen allele CA396820079.

ClinVar aggregate classification (germline): Uncertain significance (1 of 4 stars; one submission).

Submission:

Ambry Genetics
Classification: Uncertain significance. Last evaluated: 2023-05-31. Review status: criteria provided, single submitter. Criteria: Ambry Variant Classification Scheme 2023. Collection method: clinical testing. Allele origin: germline.
Comment: The p.K338R variant (also known as c.1013A>G), located in coding exon 3 of the TERF2IP gene, results from an A to G substitution at nucleotide position 1013. The lysine at codon 338 is replaced by arginine, an amino acid with highly similar properties. This amino acid position is conserved. In addition, the in silico prediction for this alteration is inconclusive. Since supporting evidence is limited at this time, the clinical significance of this alteration remains unclear.